The following is an entry in ClinVar:

ClinVar aggregate classification (germline): Likely pathogenic (1 of 4 stars; one submission).

Conditions:
Primary ciliary dyskinesia. Also called: Ciliary dyskinesia. Identifiers: Orphanet 244, MedGen C0008780, MONDO:0016575, HP:0012265.

Submission:

Natera, Inc.
Classification: Likely pathogenic for Primary ciliary dyskinesia. Last evaluated: 2024-09-23. Review status: criteria provided, single submitter. Criteria: Natera Variant Classification Schema (03/2026). Collection method: clinical testing. Allele origin: germline.
Comment: The c.1756del variant in DNAH5 is a frameshift variant predicted to shift the reading frame beginning at codon 586 and leads to a stop codon 17 codons downstream. This variant is expected to result in nonsense mediated decay, truncation, or a dysfunctional protein product. This variant is rare in the general population with a frequency below the threshold expected for the associated phenotype(s). Given the available evidence, this variant is classified as Likely Pathogenic.

NM_001369.3(DNAH5):c.1756del (p.Asp586fs)

Gene: DNAH5 (dynein axonemal heavy chain 5; minus strand). Cytogenetic location: 5p15.2.
Variant type: Deletion.
Coding change: c.1756del on transcript NM_001369.3 (MANE Select); coding-DNA position 1756, one base deleted (G; older notation c.1756delG).
Protein change: p.Asp586fs; shifts the reading frame from aspartic acid 586.
Molecular consequence: frameshift variant.
Genome position (GRCh38, 1-based): chr5:13,901,548, C deleted on the plus strand (G on the coding strand, the reverse complement: DNAH5 is on the minus strand). VCF-style (leftmost placement, unchanged base first): chr5-13901547-TC-T. GRCh37 (hg19) VCF-style: chr5-13901656-TC-T.
Other names: short protein forms D586fs.
Identifiers: ClinVar variation 4814871 (VCV004814871.1).